The following is an entry in ClinVar:

ClinVar aggregate classification (germline): Uncertain significance (1 of 4 stars; one submission).

Conditions:
Aicardi-Goutieres syndrome 6 (AGS6). Identifiers: Orphanet 51, MedGen C3539013, MONDO:0014007, OMIM 615010.
Symmetrical dyschromatosis of extremities (DSH). Also called: Dyschromatosis symmetrica hereditaria; RETICULATE ACROPIGMENTATION OF DOHI; SYMMETRIC DYSCHROMATOSIS OF THE EXTREMITIES; DYSCHROMATOSIS SYMMETRICA HEREDITARIA 1. Identifiers: Orphanet 41, MedGen C0406775, MONDO:0007483, OMIM 127400.

Submission:

Labcorp Genetics (formerly Invitae), Labcorp
Classification: Uncertain significance for Aicardi-Goutieres syndrome 6; Symmetrical dyschromatosis of extremities. Last evaluated: 2024-02-17. Review status: criteria provided, single submitter. Criteria: Invitae Variant Classification Sherloc (09022015). Collection method: clinical testing. Allele origin: germline.
Comment: This sequence change replaces tyrosine, which is neutral and polar, with histidine, which is basic and polar, at codon 177 of the ADAR protein (p.Tyr177His). This variant is not present in population databases (gnomAD no frequency). This variant has not been reported in the literature in individuals affected with ADAR-related conditions. ClinVar contains an entry for this variant (Variation ID: 1357822). An algorithm developed to predict the effect of missense changes on protein structure and function (PolyPhen-2) suggests that this variant is likely to be disruptive. In summary, the available evidence is currently insufficient to determine the role of this variant in disease. Therefore, it has been classified as a Variant of Uncertain Significance.

NM_001111.5(ADAR):c.529T>C (p.Tyr177His)

Gene: ADAR (adenosine deaminase RNA specific; minus strand). Cytogenetic location: 1q21.3.
Variant type: single nucleotide variant.
Coding change: c.529T>C on transcript NM_001111.5 (MANE Select); coding-DNA position 529, T replaced by C.
Protein change: p.Tyr177His; replaces tyrosine 177 with histidine.
Molecular consequence: missense variant. On other transcripts: 5 prime UTR variant (6).
Genome position (GRCh38, 1-based): chr1:154,602,113, A>G on the plus strand (T>C on the coding strand, the complement: ADAR is on the minus strand). VCF-style: chr1-154602113-A-G. GRCh37 (hg19) VCF-style: chr1-154574589-A-G.
Other names: c.-357T>C (NM_001025107.3, NM_001193495.2, NM_001365046.1 and 3 more transcripts); c.556T>C, p.Tyr186His (NM_001365045.1); c.529T>C, p.Tyr177His (NM_015840.4, NM_015841.4); short protein forms Y177H, Y186H.
Identifiers: ClinVar variation 1357822 (VCV001357822.8), dbSNP rs2101643438, ClinGen allele CA342601563.
Genomic context (GRCh38, chr1:154,602,113, plus strand): 5'-TTTTCCACAAAGGGGGTGTTCCTGCCTCTTTCTGTAGCTTGCCCTTCTTTGCCAGGGAGT[A>G]TAAAACTCGATTGATTTCTTTCTTCGGAGTCCCAAGTTTCCCAGACAGATCATGTGCTGT-3'
Protein context (NP_001102.3, residues 167-187): TPKKEINRVL[Tyr177His]SLAKKGKLQK